The following is an entry in ClinVar:

NM_001365715.1(LRCH3):c.851C>T (p.Pro284Leu)

Gene: LRCH3 (leucine rich repeats and calponin homology domain containing 3; plus strand). Cytogenetic location: 3q29.
Variant type: single nucleotide variant.
Coding change: c.851C>T on transcript NM_001365715.1 (MANE Select); coding-DNA position 851, C replaced by T.
Protein change: p.Pro284Leu; replaces proline 284 with leucine.
Molecular consequence: missense variant. On other transcripts: non-coding transcript variant (1).
Genome position (GRCh38, 1-based): chr3:197,829,637, C>T. VCF-style: chr3-197829637-C-T. GRCh37 (hg19) VCF-style: chr3-197556508-C-T.
Other names: c.851C>T (NM_032773.2); c.851C>T, p.Pro284Leu (NM_001363887.1, NM_001365716.1, NM_001365717.1 and 3 more transcripts); short protein forms P284L.
Identifiers: ClinVar variation 3045978 (VCV003045978.3), dbSNP rs35040867, ClinGen allele CA2788109.
Genomic context (GRCh38, chr3:197,829,637, plus strand): 5'-GCAAAGTCCACATATTTAAATACCTGAACATACAAGCTTGTAAGATTGCTCCAGATCTGC[C>T]GGATTATGATAGGAGACCGTTGGGTTTTGGCTCCTGGTAAGTATATTCTGTCCCTTTATC-3'
Protein context (NP_001352644.1, residues 274-294): IQACKIAPDL[Pro284Leu]DYDRRPLGFG

ClinVar aggregate classification (germline): Uncertain significance. Review status: criteria provided, single submitter (1 of 4 stars). 2 submissions from 2 submitters: Uncertain significance (1). 1 of the submissions does not count toward it. Last evaluated 2025-11-20.

Conditions:
LRCH3-related disorder. Also called: LRCH3-related condition.

Allele frequency attached by ClinVar (database versions not stated): ESP Exome Variant Server 0.00100; 1000 Genomes Project 30x 0.00016; 1000 Genomes Project 0.00020; TOPMed 0.00073; gnomAD exomes 0.00007; ExAC 0.00021; gnomAD 0.00068.
gnomAD v4.1: 209 of 1,613,136 alleles (0.013%); highest among the groups gnomAD compares: African/African-American, 0.24%; no homozygotes.

Submissions (2):

Ambry Genetics
Classification: Uncertain significance. Last evaluated: 2025-11-20. Review status: criteria provided, single submitter. Criteria: Ambry Variant Classification Scheme 2023. Collection method: clinical testing. Allele origin: germline.

PreventionGenetics, part of Exact Sciences
Classification: Likely benign for LRCH3-related condition. Last evaluated: 2022-08-10. Review status: no assertion criteria provided. Collection method: clinical testing. Allele origin: germline. Not counted in ClinVar's aggregate classification.
Comment: This variant is classified as likely benign based on ACMG/AMP sequence variant interpretation guidelines (Richards et al. 2015 PMID: 25741868, with internal and published modifications).